The following is an entry in ClinVar:

NM_001252275.3(UGT2A1):c.1170A>T (p.Gly390=)

Genes: UGT2A1 (UDP glucuronosyltransferase family 2 member A1 complex locus; minus strand), UGT2A2 (UDP glucuronosyltransferase family 2 member A2; minus strand), LOC129389218 (MPRA-validated peak5055 silencer; plus strand). Cytogenetic location: 4q13.3.
Variant type: single nucleotide variant.
Coding change: c.1170A>T on transcript NM_001252275.3 (MANE Select); coding-DNA position 1170, A replaced by T.
Protein change: p.Gly390=; no amino-acid change (glycine 390 retained).
Molecular consequence: synonymous variant.
Genome position (GRCh38, 1-based): chr4:69,594,611, T>A on the plus strand (A>T on the coding strand, the complement: UGT2A1 is on the minus strand). VCF-style: chr4-69594611-T-A. GRCh37 (hg19) VCF-style: chr4-70460329-T-A.
Other names: c.1668A>T, p.Gly556= (NM_001252274.3); c.1038A>T, p.Gly346= (NM_001301239.2); c.1800A>T, p.Gly600= (NM_001389565.1); c.1170A>T, p.Gly390= (NM_006798.5); c.1197A>T, p.Gly399= (NM_001105677.2); c.1065A>T, p.Gly355= (NM_001301233.1).
Identifiers: ClinVar variation 788781 (VCV000788781.5), dbSNP rs146749264, ClinGen allele CA2946773.
Genomic context (GRCh38, chr4:69,594,611, plus strand): 5'-AGCTGCTCCTTTGGCCTTCATGTGAGCAATGTTATCAGGCTGATCAGCAAACATGGGAAC[T>A]CCCACCATAGGGACTCCGTGGTAAATAGCTTCGTAGATCCCATTAGTTCCACCATGAGTG-3'
Protein context (NP_001239204.2, residues 380-400): EAIYHGVPMV[Gly390=]VPMFADQPDN

ClinVar aggregate classification (germline): Benign/Likely benign. Review status: criteria provided, multiple submitters, no conflicts (2 of 4 stars). 3 submissions from 3 submitters: Benign (2); Likely benign (1). Last evaluated 2026-08-01.

Allele frequency attached by ClinVar (database versions not stated): 1000 Genomes Project 0.00060; 1000 Genomes Project 30x 0.00062; gnomAD exomes 0.00174 and 0.00280; TOPMed 0.00174; ExAC 0.00177; gnomAD 0.00211 and 0.00212; ESP Exome Variant Server 0.00231.
gnomAD v4.1: 4,413 of 1,614,116 alleles (0.27%); highest among the groups gnomAD compares: Non-Finnish European, 0.34%; 8 homozygotes.

Submissions (3):

CeGaT Center for Human Genetics Tuebingen
Classification: Likely benign. Last evaluated: 2026-08-01. Review status: criteria provided, single submitter. Criteria: CeGaT Center For Human Genetics Tuebingen Variant Classification Criteria Version 2. Collection method: clinical testing. Allele origin: germline. Affected: yes. Observed: 1 variant allele.
Comment: UGT2A1: BP4, BP7

Labcorp Genetics (formerly Invitae), Labcorp
Classification: Benign. Last evaluated: 2018-07-26. Review status: criteria provided, single submitter. Criteria: Invitae Variant Classification Sherloc (09022015). Collection method: clinical testing. Allele origin: germline.

Breakthrough Genomics
Classification: Benign. Review status: criteria provided, single submitter. Criteria: ACMG Guidelines, 2015. Collection method: not provided. Allele origin: germline. Inheritance: Unknown mechanism. Affected: yes.